The following is an entry in ClinVar:

NM_133259.4(LRPPRC):c.2889del (p.Lys963fs)

Gene: LRPPRC (leucine rich pentatricopeptide repeat containing; minus strand). Cytogenetic location: 2p21.
Variant type: Deletion.
Coding change: c.2889del on transcript NM_133259.4 (MANE Select); coding-DNA position 2889, one base deleted (A; older notation c.2889delA).
Protein change: p.Lys963fs; shifts the reading frame from lysine 963.
Molecular consequence: frameshift variant.
Genome position (GRCh38, 1-based): chr2:43,925,074, T deleted on the plus strand (A on the coding strand, the reverse complement: LRPPRC is on the minus strand); the first of 4 consecutive T bases (chr2:43,925,074-43,925,077); deleting any one gives the same sequence. VCF-style (leftmost placement, unchanged base first): chr2-43925073-GT-G. GRCh37 (hg19) VCF-style: chr2-44152212-GT-G.
Other names: short protein forms K963fs.
Identifiers: ClinVar variation 1725107 (VCV001725107.2), dbSNP rs2466482671, ClinGen allele CA2580066488.

ClinVar aggregate classification (germline): Likely pathogenic (1 of 4 stars; one submission).

Conditions:
Congenital lactic acidosis, Saguenay-Lac-Saint-Jean type (MC4DN5). Also called: MITOCHONDRIAL COMPLEX IV DEFICIENCY, NUCLEAR TYPE 5; CYTOCHROME c OXIDASE DEFICIENCY, FRENCH CANADIAN TYPE; COX DEFICIENCY, FRENCH CANADIAN TYPE. Identifiers: Orphanet 70472, MedGen C1857355, MONDO:0009069, OMIM 220111.

Submission:

Myriad Genetics, Inc.
Classification: Likely pathogenic for Congenital lactic acidosis, Saguenay-Lac-Saint-Jean type. Last evaluated: 2021-11-30. Review status: criteria provided, single submitter. Criteria: Myriad Women's Health Autosomal Recessive and X-Linked Classification Criteria (2021). Collection method: clinical testing. Allele origin: unknown.
Comment: NM_133259.3(LRPPRC):c.2889delA(K963Nfs*5) is expected to be pathogenic in the context of Leigh syndrome, French-Canadian type. This variant is predicted to lead to an abnormal or absent protein product due to the creation of a premature termination codon in LRPPRC, a gene where loss-of-function variants are known to be pathogenic. Please note: this variant was assessed in the context of healthy population screening.